The following is an entry in ClinVar:

ClinVar aggregate classification (germline): Likely benign. Review status: criteria provided, multiple submitters, no conflicts (2 of 4 stars). 4 submissions from 4 submitters: Likely benign (4). Last evaluated 2024-12-06.

Conditions:
Familial thoracic aortic aneurysm and aortic dissection (TAAD). Also called: Thoracic aortic aneurysms and dissections. Identifiers: Orphanet 91387, MedGen C4707243, MONDO:0019625.
Marfan syndrome (MFS). Also called: Marfan syndrome type 1; Marfan syndrome, classic; Marfan's syndrome; FBN1-Related Marfan Syndrome; MARFAN SYNDROME, TYPE I. Identifiers: Orphanet 284963, Orphanet 558, MedGen C0024796, MONDO:0007947, OMIM 154700.

Allele frequency attached by ClinVar (database versions not stated): gnomAD exomes below 0.00001.
gnomAD v4.1: 6 of 1,613,738 alleles (0.00037%); highest among the groups gnomAD compares: East Asian, 0.011%; no homozygotes.

Submissions (4):

Women's Health and Genetics/Laboratory Corporation of America, LabCorp
Classification: Likely benign. Last evaluated: 2024-12-06. Review status: criteria provided, single submitter. Criteria: LabCorp Variant Classification Summary - May 2015. Collection method: clinical testing. Allele origin: germline.

All of Us Research Program, National Institutes of Health
Classification: Likely benign for Marfan syndrome. Last evaluated: 2023-12-13. Review status: criteria provided, single submitter. Criteria: ACMG Guidelines, 2015. Collection method: clinical testing. Allele origin: germline. Inheritance: Autosomal dominant inheritance. Observed: 3 variant alleles, 3 heterozygotes.
Comment: This study involves interpretation of variants in research participants for the purpose of population health screening. Participant phenotype was not available at the time of variant classification. Additional details can be found in publication PMID: 35346344, PMCID: PMC8962531

Labcorp Genetics (formerly Invitae), Labcorp
Classification: Likely benign for Marfan syndrome; Familial thoracic aortic aneurysm and aortic dissection. Last evaluated: 2023-10-28. Review status: criteria provided, single submitter. Criteria: Invitae Variant Classification Sherloc (09022015). Collection method: clinical testing. Allele origin: germline.

Color Diagnostics, LLC DBA Color Health
Classification: Likely benign for Familial thoracic aortic aneurysm and aortic dissection. Last evaluated: 2019-04-26. Review status: criteria provided, single submitter. Criteria: ACMG Guidelines, 2015. Collection method: clinical testing. Allele origin: germline.

NM_000138.5(FBN1):c.2817T>C (p.Ser939=)

Gene: FBN1 (fibrillin 1; minus strand). Cytogenetic location: 15q21.1.
Variant type: single nucleotide variant.
Coding change: c.2817T>C on transcript NM_000138.5 (MANE Select); coding-DNA position 2817, T replaced by C.
Protein change: p.Ser939=; no amino-acid change (serine 939 retained).
Molecular consequence: synonymous variant.
Genome position (GRCh38, 1-based): chr15:48,492,498, A>G on the plus strand (T>C on the coding strand, the complement: FBN1 is on the minus strand). VCF-style: chr15-48492498-A-G. GRCh37 (hg19) VCF-style: chr15-48784695-A-G.
Identifiers: ClinVar variation 527222 (VCV000527222.12), dbSNP rs1254659886, ClinGen allele CA490020254.
Genomic context (GRCh38, chr15:48,492,498, plus strand): 5'-AAAATAATGAGCTCAGTATTTACCAAGACAGATCCTTCCTGTGGCATCCAAAGTCATTCC[A>G]CTGGGACACTGACACTTGAATGACCCCCTAGTGTTAACACACAGGCCATTTTTACACACT-3'
Protein context (NP_000129.3, residues 929-949): TRGSFKCQCP[Ser939=]GMTLDATGRI